The following is an entry in ClinVar:

ClinVar aggregate classification (germline): Uncertain significance. Review status: criteria provided, multiple submitters, no conflicts (2 of 4 stars). 2 submissions from 2 submitters: Uncertain significance (2). Last evaluated 2026-03-10.

Conditions:
Familial thoracic aortic aneurysm and aortic dissection (TAAD). Also called: Thoracic aortic aneurysms and dissections. Identifiers: Orphanet 91387, MedGen C4707243, MONDO:0019625.
Hereditary cancer-predisposing syndrome. Also called: Neoplastic Syndromes, Hereditary; Tumor predisposition; Hereditary Cancer Syndrome; Hereditary neoplastic syndrome. Identifiers: Orphanet 140162, MedGen C0027672, MeSH D009386, MONDO:0015356.

Submissions (2):

GeneDx
Classification: Uncertain significance. Last evaluated: 2026-03-10. Review status: criteria provided, single submitter. Criteria: GeneDx Variant Classification Process June 2021. Collection method: clinical testing. Allele origin: germline.
Comment: Not observed at significant frequency in large population cohorts (gnomAD); In silico analysis supports that this missense variant has a deleterious effect on protein structure/function; Has not been previously published as pathogenic or benign to our knowledge; This variant is associated with the following publications: (PMID: 15235019, 17873119, 18823382)

Ambry Genetics
Classification: Uncertain significance for Hereditary cancer-predisposing syndrome; Familial thoracic aortic aneurysm and aortic dissection. Last evaluated: 2025-02-05. Review status: criteria provided, single submitter. Criteria: Ambry Variant Classification Scheme 2023. Collection method: clinical testing. Allele origin: germline.
Comment: The p.R445G variant (also known as c.1333C>G), located in coding exon 10 of the SMAD4 gene, results from a C to G substitution at nucleotide position 1333. The arginine at codon 445 is replaced by glycine, an amino acid with dissimilar properties. This amino acid position is highly conserved in available vertebrate species. In addition, this alteration is predicted to be deleterious by in silico analysis. Based on the available evidence, the clinical significance of this variant remains unclear.

NM_005359.6(SMAD4):c.1333C>G (p.Arg445Gly)

Gene: SMAD4 (SMAD family member 4; plus strand). Cytogenetic location: 18q21.2.
Variant type: single nucleotide variant.
Coding change: c.1333C>G on transcript NM_005359.6 (MANE Select); coding-DNA position 1333, C replaced by G.
Protein change: p.Arg445Gly; replaces arginine 445 with glycine.
Molecular consequence: missense variant. On other transcripts: non-coding transcript variant (1).
Genome position (GRCh38, 1-based): chr18:51,076,662, C>G. VCF-style: chr18-51076662-C-G. GRCh37 (hg19) VCF-style: chr18-48603032-C-G.
Other names: c.1333C>G, p.Arg445Gly (NM_001407041.1, NM_001407042.1); short protein forms R445G.
Identifiers: ClinVar variation 3798811 (VCV003798811.2).
Genomic context (GRCh38, chr18:51,076,662, plus strand): 5'-TATGAACTCATAGTATGAAATGTTTTTTCTTAAAAGGTCTTTGATTTGCGTCAGTGTCAT[C>G]GACAGATGCAGCAGCAGGCGGCTACTGCACAAGCTGCAGCAGCTGCCCAGGCAGCAGCCG-3'
Protein context (NP_005350.1, residues 435-455): IKVFDLRQCH[Arg445Gly]QMQQQAATAQ